The following is an entry in ClinVar:

ClinVar aggregate classification (germline): Likely benign. Review status: criteria provided, multiple submitters, no conflicts (2 of 4 stars). 2 submissions from 2 submitters: Likely benign (2). Last evaluated 2023-12-01.

Conditions:
Wilson disease (WND). Also called: Wilson's disease. Identifiers: Orphanet 905, MedGen C0019202, MONDO:0010200, OMIM 277900. Disease mechanism: loss of function.

Allele frequency attached by ClinVar (database versions not stated): gnomAD exomes below 0.00001 and 0.00001; ExAC 0.00001.
gnomAD v4.1: 4 of 1,614,214 alleles (0.00025%); highest among the groups gnomAD compares: Middle Eastern, 0.016%; no homozygotes.

Submissions (2):

CeGaT Center for Human Genetics Tuebingen
Classification: Likely benign. Last evaluated: 2023-12-01. Review status: criteria provided, single submitter. Criteria: CeGaT Center For Human Genetics Tuebingen Variant Classification Criteria Version 2. Collection method: clinical testing. Allele origin: germline. Affected: yes. Observed: 4 variant alleles.
Comment: ATP7B: BP4, BP7

Labcorp Genetics (formerly Invitae), Labcorp
Classification: Likely benign for Wilson disease. Last evaluated: 2023-09-21. Review status: criteria provided, single submitter. Criteria: Invitae Variant Classification Sherloc (09022015). Collection method: clinical testing. Allele origin: germline.

NM_000053.4(ATP7B):c.423G>A (p.Gln141=)

Gene: ATP7B (ATPase copper transporting beta; minus strand). Cytogenetic location: 13q14.3.
Variant type: single nucleotide variant.
Coding change: c.423G>A on transcript NM_000053.4 (MANE Select); coding-DNA position 423, G replaced by A.
Protein change: p.Gln141=; no amino-acid change (glutamine 141 retained).
Molecular consequence: synonymous variant.
Genome position (GRCh38, 1-based): chr13:51,974,797, C>T on the plus strand (G>A on the coding strand, the complement: ATP7B is on the minus strand). VCF-style: chr13-51974797-C-T. GRCh37 (hg19) VCF-style: chr13-52548933-C-T.
Other names: c.423G>A, p.Gln141= (NM_001005918.3, NM_001243182.2, NM_001330578.2 and 1 more transcripts).
Identifiers: ClinVar variation 1013037 (VCV001013037.45), dbSNP rs750657137, ClinGen allele CA6989566.